The following is an entry in ClinVar:

ClinVar aggregate classification (germline): Benign/Likely benign. Review status: criteria provided, multiple submitters, no conflicts (2 of 4 stars). 28 submissions from 21 submitters: Benign (17); Likely benign (4). 7 of the submissions do not count toward it. Last evaluated 2026-02-04.

Conditions:
Cardiovascular phenotype. Identifiers: MedGen CN230736.
Autosomal recessive limb-girdle muscular dystrophy type 2J (LGMDR10). Also called: Limb-girdle muscular dystrophy, type 2J; MUSCULAR DYSTROPHY, LIMB-GIRDLE, AUTOSOMAL RECESSIVE 10. Identifiers: Orphanet 140922, MedGen C1837342, MONDO:0012127, OMIM 608807.
Dilated cardiomyopathy 1G (CMD1G). Identifiers: Orphanet 154, MedGen C1858763, MONDO:0011400, OMIM 604145.
Early-onset myopathy with fatal cardiomyopathy (CMYO5). Also called: Salih Myopathy; CONGENITAL MYOPATHY 5 WITH CARDIOMYOPATHY. Identifiers: Orphanet 289377, MedGen C2673677, MONDO:0012714, OMIM 611705. Disease mechanism: loss of function.
Myopathy, myofibrillar, 9, with early respiratory failure (MFM9). Also called: Hereditary myopathy with early respiratory failure; EDSTROM MYOPATHY; MYOPATHY, PROXIMAL, WITH EARLY RESPIRATORY MUSCLE INVOLVEMENT; Myopathy, distal, with early respiratory failure, autosomal dominant. Identifiers: Orphanet 178464, Orphanet 34521, MedGen C1863599, MONDO:0011362, OMIM 603689.
Tibial muscular dystrophy (TMD). Also called: UDD MYOPATHY; Udd Distal Myopathy – Tibial Muscular Dystrophy; Tibial muscular dystrophy, tardive. Identifiers: Orphanet 609, MedGen C1838244, MONDO:0010870, OMIM 600334.

Allele frequency attached by ClinVar (database versions not stated): 1000 Genomes Project 0.01078; 1000 Genomes Project 30x 0.01171; TOPMed 0.02335; gnomAD 0.02340 and 0.02363; gnomAD exomes 0.02477 and 0.03829; ExAC 0.02564; ESP Exome Variant Server 0.03170.
gnomAD v4.1: 59,063 of 1,613,292 alleles (3.7%); highest among the groups gnomAD compares: Non-Finnish European, 4.5%; 1,309 homozygotes.

Submissions (28):

Labcorp Genetics (formerly Invitae), Labcorp
Classification: Benign for Dilated cardiomyopathy 1G; Autosomal recessive limb-girdle muscular dystrophy type 2J. Last evaluated: 2026-02-04. Review status: criteria provided, single submitter. Criteria: Invitae Variant Classification Sherloc (09022015). Collection method: clinical testing. Allele origin: germline.

Molecular Diagnostic Laboratory for Inherited Cardiovascular Disease, Montreal Heart Institute
Classification: Benign. Last evaluated: 2025-04-09. Review status: criteria provided, single submitter. Criteria: ACMG Guidelines, 2015. Collection method: clinical testing. Allele origin: germline. Affected: no.

Blueprint Genetics
Classification: Benign. Last evaluated: 2024-11-26. Review status: criteria provided, single submitter. Criteria: ACMG Guidelines, 2015. Collection method: clinical testing. Allele origin: germline.

Genome-Nilou Lab
Classification: Benign for Autosomal recessive limb-girdle muscular dystrophy type 2J. Last evaluated: 2021-09-10. Review status: criteria provided, single submitter. Criteria: ACMG Guidelines, 2015. Collection method: clinical testing. Allele origin: germline. Affected: no.

Genome-Nilou Lab
Classification: Benign for Myopathy, myofibrillar, 9, with early respiratory failure. Last evaluated: 2021-09-10. Review status: criteria provided, single submitter. Criteria: ACMG Guidelines, 2015. Collection method: clinical testing. Allele origin: germline. Affected: no.

Genome-Nilou Lab
Classification: Benign for Early-onset myopathy with fatal cardiomyopathy. Last evaluated: 2021-09-10. Review status: criteria provided, single submitter. Criteria: ACMG Guidelines, 2015. Collection method: clinical testing. Allele origin: germline. Affected: no.

Genome-Nilou Lab
Classification: Benign for Tibial muscular dystrophy. Last evaluated: 2021-09-10. Review status: criteria provided, single submitter. Criteria: ACMG Guidelines, 2015. Collection method: clinical testing. Allele origin: germline. Affected: no.

Women's Health and Genetics/Laboratory Corporation of America, LabCorp
Classification: Likely benign. Last evaluated: 2020-08-30. Review status: criteria provided, single submitter. Criteria: LabCorp Variant Classification Summary - May 2015. Collection method: clinical testing. Allele origin: germline.

Athena Diagnostics
Classification: Benign. Last evaluated: 2018-12-14. Review status: criteria provided, single submitter. Criteria: Athena Diagnostics Criteria. Collection method: clinical testing. Allele origin: germline.

Illumina Laboratory Services, Illumina
Classification: Likely benign for Autosomal recessive limb-girdle muscular dystrophy type 2J. Last evaluated: 2018-01-13. Review status: criteria provided, single submitter. Criteria: ICSL Variant Classification Criteria 13 December 2019. Collection method: clinical testing. Allele origin: germline.
Comment: This variant was observed in the ICSL laboratory as part of a predisposition screen in an ostensibly healthy population. It had not been previously curated by ICSL or reported in the Human Gene Mutation Database (HGMD: prior to June 1st, 2018), and was therefore a candidate for classification through an automated scoring system. Utilizing variant allele frequency, disease prevalence and penetrance estimates, and inheritance mode, an automated score was calculated to assess if this variant is too frequent to cause the disease. Based on the score and internal cut-off values, a variant classified as likely benign is not then subjected to further curation. The score for this variant resulted in a classification of likely benign for this disease.

Illumina Laboratory Services, Illumina
Classification: Benign for Early-onset myopathy with fatal cardiomyopathy. Last evaluated: 2018-01-13. Review status: criteria provided, single submitter. Criteria: ICSL Variant Classification Criteria 13 December 2019. Collection method: clinical testing. Allele origin: germline.
Comment: This variant was observed in the ICSL laboratory as part of a predisposition screen in an ostensibly healthy population. It had not been previously curated by ICSL or reported in the Human Gene Mutation Database (HGMD: prior to June 1st, 2018), and was therefore a candidate for classification through an automated scoring system. Utilizing variant allele frequency, disease prevalence and penetrance estimates, and inheritance mode, an automated score was calculated to assess if this variant is too frequent to cause the disease. Based on the score and internal cut-off values, a variant classified as benign is not then subjected to further curation. The score for this variant resulted in a classification of benign for this disease.

Illumina Laboratory Services, Illumina
Classification: Benign for Tibial muscular dystrophy. Last evaluated: 2018-01-13. Review status: criteria provided, single submitter. Criteria: ICSL Variant Classification Criteria 13 December 2019. Collection method: clinical testing. Allele origin: germline.
Comment: the same text as in the submission from Illumina Laboratory Services, Illumina above.

Illumina Laboratory Services, Illumina
Classification: Benign for Myopathy, myofibrillar, 9, with early respiratory failure. Last evaluated: 2018-01-13. Review status: criteria provided, single submitter. Criteria: ICSL Variant Classification Criteria 13 December 2019. Collection method: clinical testing. Allele origin: germline.
Comment: the same text as in the submission from Illumina Laboratory Services, Illumina above.

Illumina Laboratory Services, Illumina
Classification: Likely benign for Dilated cardiomyopathy 1G. Last evaluated: 2018-01-13. Review status: criteria provided, single submitter. Criteria: ICSL Variant Classification Criteria 13 December 2019. Collection method: clinical testing. Allele origin: germline.
Comment: the same text as in the submission from Illumina Laboratory Services, Illumina above.

Mayo Clinic Laboratories, Mayo Clinic
Classification: Benign. Last evaluated: 2017-12-06. Review status: criteria provided, single submitter. Criteria: ACMG Guidelines, 2015. Collection method: clinical testing. Allele origin: germline. Observed: 136 variant alleles.

Biesecker Lab/Clinical Genomics Section, National Institutes of Health
Classification: Benign. Last evaluated: 2013-06-24. Review status: criteria provided, single submitter. Criteria: Ng et al. (Circ Cardiovasc Genet. 2013). Collection method: research. Allele origin: unknown. Observed: 35 variant alleles. Study: ClinSeq.
Comment: The study set was not selected for affection status in relation to any cancer. Pathogenicity categories were based on literature curation. See Pubmed ID:23861362 for details.

Medical sequencing

GeneDx
Classification: Benign. Last evaluated: 2012-10-18. Review status: criteria provided, single submitter. Criteria: GeneDx Variant Classification (06012015). Collection method: clinical testing. Allele origin: germline. Affected: yes.
Comment: This variant is considered likely benign or benign based on one or more of the following criteria: it is a conservative change, it occurs at a poorly conserved position in the protein, it is predicted to be benign by multiple in silico algorithms, and/or has population frequency not consistent with disease.

Ambry Genetics
Classification: Benign for Cardiovascular phenotype. Last evaluated: 2012-08-07. Review status: criteria provided, single submitter. Criteria: Ambry Autosomal Dominant and X-Linked criteria (10/2015). Collection method: clinical testing. Allele origin: germline. Observed: 1 variant allele.

Laboratory for Molecular Medicine, Mass General Brigham Personalized Medicine
Classification: Benign. Last evaluated: 2011-12-23. Review status: criteria provided, single submitter. Criteria: LMM Criteria. Collection method: clinical testing. Allele origin: germline. Observed: 134 variant alleles.
Comment: Ser19148Leu in exon 260 of TTN: This variant is not expected to have clinical si gnificance because it has been identified in 4.2% (280/6692) of Caucasian chromo somes from a broad clinical cohort (rs13021201). Ser19148Leu in exon 260 of TTN (rs13021201; allele frequency = 4.2%, 280/6692)

Breakthrough Genomics
Classification: Likely benign. Review status: criteria provided, single submitter. Criteria: ACMG Guidelines, 2015. Collection method: not provided. Allele origin: germline. Inheritance: Autosomal recessive inheritance. Affected: yes.

PreventionGenetics, part of Exact Sciences
Classification: Benign. Review status: criteria provided, single submitter. Criteria: ACMG Guidelines, 2015. Collection method: clinical testing. Allele origin: germline.

Clinical Genetics DNA and cytogenetics Diagnostics Lab, Erasmus MC, Erasmus Medical Center
Classification: Benign. Review status: no assertion criteria provided. Collection method: clinical testing. Allele origin: germline. Affected: yes. Study: VKGL Data-share Consensus. Not counted in ClinVar's aggregate classification.

Clinical Genetics, Academic Medical Center
Classification: Benign. Review status: no assertion criteria provided. Collection method: clinical testing. Allele origin: germline. Affected: yes. Study: VKGL Data-share Consensus. Not counted in ClinVar's aggregate classification.

Diagnostic Laboratory, Department of Genetics, University Medical Center Groningen
Classification: Likely benign. Review status: no assertion criteria provided. Collection method: clinical testing. Allele origin: germline. Affected: yes. Study: VKGL Data-share Consensus. Not counted in ClinVar's aggregate classification.

Genetic Services Laboratory, University of Chicago
Classification: Likely benign for AllHighlyPenetrant. Review status: no assertion criteria provided. Collection method: clinical testing. Allele origin: germline. Not counted in ClinVar's aggregate classification.
Comment: Likely benign based on allele frequency in 1000 Genomes Project or ESP global frequency and its presence in a patient with a rare or unrelated disease phenotype. NOT Sanger confirmed.

Genome Diagnostics Laboratory, University Medical Center Utrecht
Classification: Likely benign. Review status: no assertion criteria provided. Collection method: clinical testing. Allele origin: germline. Affected: yes. Study: VKGL Data-share Consensus. Not counted in ClinVar's aggregate classification.

Joint Genome Diagnostic Labs from Nijmegen and Maastricht, Radboudumc and MUMC+
Classification: Benign. Review status: no assertion criteria provided. Collection method: clinical testing. Allele origin: germline. Affected: yes. Study: VKGL Data-share Consensus. Not counted in ClinVar's aggregate classification.

Laboratory of Diagnostic Genome Analysis, Leiden University Medical Center (LUMC)
Classification: Likely benign. Review status: no assertion criteria provided. Collection method: clinical testing. Allele origin: germline. Affected: yes. Study: VKGL Data-share Consensus. Not counted in ClinVar's aggregate classification.

NM_001267550.2(TTN):c.65147C>T (p.Ser21716Leu)

Genes: TTN (titin; minus strand), TTN-AS1 (TTN antisense RNA 1; plus strand). Cytogenetic location: 2q31.2.
Variant type: single nucleotide variant.
Coding change: c.65147C>T on transcript NM_001267550.2 (MANE Select); coding-DNA position 65147, C replaced by T.
Protein change: p.Ser21716Leu; replaces serine 21716 with leucine.
Molecular consequence: missense variant.
Genome position (GRCh38, 1-based): chr2:178,584,404, G>A on the plus strand (C>T on the coding strand, the complement: TTN is on the minus strand). VCF-style: chr2-178584404-G-A. GRCh37 (hg19) VCF-style: chr2-179449131-G-A.
Other names: p.S19148L:TCA>TTA; c.60224C>T, p.Ser20075Leu (NM_001256850.1); c.37952C>T, p.Ser12651Leu (NM_003319.4); c.57443C>T, p.Ser19148Leu (NM_133378.4); c.38327C>T, p.Ser12776Leu (NM_133432.3); c.38528C>T, p.Ser12843Leu (NM_133437.4); short protein forms S21716L, S19148L, S20075L, S12651L, S12776L, S12843L.
Identifiers: ClinVar variation 47218 (VCV000047218.44), dbSNP rs13021201, ClinGen allele CA283599.